The following is an entry in ClinVar:

NM_033446.3(MVB12B):c.874-10G>A

Gene: MVB12B (multivesicular body subunit 12B; plus strand). Cytogenetic location: 9q33.3.
Variant type: single nucleotide variant.
Coding change: c.874-10G>A on transcript NM_033446.3 (MANE Select); 10 bases into the intron before coding-DNA position 874, G replaced by A.
Molecular consequence: intron variant.
Genome position (GRCh38, 1-based): chr9:126,503,167, G>A. VCF-style: chr9-126503167-G-A. GRCh37 (hg19) VCF-style: chr9-129265446-G-A.
Identifiers: ClinVar variation 3049532 (VCV003049532.2), dbSNP rs768963559, ClinGen allele CA5242166.

ClinVar aggregate classification (germline): Likely benign (0 of 4 stars; one submission).

Conditions:
MVB12B-related disorder. Also called: MVB12B-related condition.

Allele frequency attached by ClinVar (database versions not stated): gnomAD 0.00001; TOPMed 0.00001; gnomAD exomes 0.00004.
gnomAD v4.1: 53 of 1,549,544 alleles (0.0034%); highest among the groups gnomAD compares: Middle Eastern, 0.18%; no homozygotes.

Submission:

PreventionGenetics, part of Exact Sciences
Classification: Likely benign for MVB12B-related condition. Last evaluated: 2019-07-09. Review status: no assertion criteria provided. Collection method: clinical testing. Allele origin: germline.
Comment: This variant is classified as likely benign based on ACMG/AMP sequence variant interpretation guidelines (Richards et al. 2015 PMID: 25741868, with internal and published modifications).